The following is an entry in ClinVar:

NM_014319.5(LEMD3):c.1357C>G (p.Leu453Val)

Gene: LEMD3 (LEM domain containing 3; plus strand). Cytogenetic location: 12q14.3.
Variant type: single nucleotide variant.
Coding change: c.1357C>G on transcript NM_014319.5 (MANE Select); coding-DNA position 1357, C replaced by G.
Protein change: p.Leu453Val; replaces leucine 453 with valine.
Molecular consequence: missense variant.
Genome position (GRCh38, 1-based): chr12:65,170,953, C>G. VCF-style: chr12-65170953-C-G. GRCh37 (hg19) VCF-style: chr12-65564733-C-G.
Other names: c.1357C>G, p.Leu453Val (NM_001167614.2); short protein forms L453V.
Identifiers: ClinVar variation 3656320 (VCV003656320.2).

ClinVar aggregate classification (germline): Uncertain significance (1 of 4 stars; one submission).

Submission:

Labcorp Genetics (formerly Invitae), Labcorp
Classification: Uncertain significance. Last evaluated: 2024-06-12. Review status: criteria provided, single submitter. Criteria: Invitae Variant Classification Sherloc (09022015). Collection method: clinical testing. Allele origin: germline.
Comment: This sequence change replaces leucine, which is neutral and non-polar, with valine, which is neutral and non-polar, at codon 453 of the LEMD3 protein (p.Leu453Val). This variant is not present in population databases (gnomAD no frequency). This variant has not been reported in the literature in individuals affected with LEMD3-related conditions. Advanced modeling of protein sequence and biophysical properties (such as structural, functional, and spatial information, amino acid conservation, physicochemical variation, residue mobility, and thermodynamic stability) performed at Invitae indicates that this missense variant is not expected to disrupt LEMD3 protein function with a negative predictive value of 80%. In summary, the available evidence is currently insufficient to determine the role of this variant in disease. Therefore, it has been classified as a Variant of Uncertain Significance.